The following is an entry in ClinVar:

ClinVar aggregate classification (germline): Uncertain significance (1 of 4 stars; one submission).

Conditions:
Norman-Roberts syndrome (LIS2). Also called: Lissencephaly 2 (Norman-Roberts type). Identifiers: Orphanet 89844, MedGen C0796089, MONDO:0009760, OMIM 257320.
Familial temporal lobe epilepsy 7. Identifiers: Orphanet 101046, MedGen C4225327, MONDO:0014639, OMIM 616436.

Allele frequency attached by ClinVar (database versions not stated): gnomAD exomes below 0.00001.
gnomAD v4.1: 1 of 1,613,910 alleles (0.000062%); highest among the groups gnomAD compares: Non-Finnish European, 0.000085%; no homozygotes.

Submission:

Labcorp Genetics (formerly Invitae), Labcorp
Classification: Uncertain significance for Familial temporal lobe epilepsy 7; Norman-Roberts syndrome. Last evaluated: 2022-04-15. Review status: criteria provided, single submitter. Criteria: Invitae Variant Classification Sherloc (09022015). Collection method: clinical testing. Allele origin: germline.
Comment: This sequence change replaces histidine, which is basic and polar, with tyrosine, which is neutral and polar, at codon 1060 of the RELN protein (p.His1060Tyr). This variant is not present in population databases (gnomAD no frequency). This variant has not been reported in the literature in individuals affected with RELN-related conditions. Algorithms developed to predict the effect of missense changes on protein structure and function are either unavailable or do not agree on the potential impact of this missense change (SIFT: "Deleterious"; PolyPhen-2: "Benign"; Align-GVGD: "Class C0"). In summary, the available evidence is currently insufficient to determine the role of this variant in disease. Therefore, it has been classified as a Variant of Uncertain Significance.

NM_005045.4(RELN):c.3178C>T (p.His1060Tyr)

Gene: RELN (reelin; minus strand). Cytogenetic location: 7q22.1.
Variant type: single nucleotide variant.
Coding change: c.3178C>T on transcript NM_005045.4 (MANE Select); coding-DNA position 3178, C replaced by T.
Protein change: p.His1060Tyr; replaces histidine 1060 with tyrosine.
Molecular consequence: missense variant.
Genome position (GRCh38, 1-based): chr7:103,603,459, G>A on the plus strand (C>T on the coding strand, the complement: RELN is on the minus strand). VCF-style: chr7-103603459-G-A. GRCh37 (hg19) VCF-style: chr7-103243906-G-A.
Other names: c.3178C>T, p.His1060Tyr (NM_173054.3); short protein forms H1060Y.
Identifiers: ClinVar variation 2126428 (VCV002126428.4), dbSNP rs1831727709, ClinGen allele CA368763385.